The following is an entry in ClinVar:

ClinVar aggregate classification (germline): Uncertain significance (1 of 4 stars; one submission).

Conditions:
Developmental and epileptic encephalopathy, 34 (DEE34). Also called: SLC12A5-Related Epilepsy of Infancy with Migrating Focal Seizures; Early infantile epileptic encephalopathy 34. Identifiers: Orphanet 293181, MedGen C4225257, MONDO:0014718, OMIM 616645.

Allele frequency attached by ClinVar (database versions not stated): TOPMed 0.00002.
gnomAD v4.1: 34 of 1,613,348 alleles (0.0021%); highest among the groups gnomAD compares: Middle Eastern, 0.017%; no homozygotes.

Submission:

Labcorp Genetics (formerly Invitae), Labcorp
Classification: Uncertain significance for Developmental and epileptic encephalopathy, 34. Last evaluated: 2021-11-06. Review status: criteria provided, single submitter. Criteria: Invitae Variant Classification Sherloc (09022015). Collection method: clinical testing. Allele origin: germline.
Comment: This sequence change replaces arginine, which is basic and polar, with histidine, which is basic and polar, at codon 635 of the SLC12A5 protein (p.Arg635His). This variant is present in population databases (rs746932137, gnomAD 0.01%). This variant has not been reported in the literature in individuals affected with SLC12A5-related conditions. ClinVar contains an entry for this variant (Variation ID: 1045464). Algorithms developed to predict the effect of missense changes on protein structure and function (SIFT, PolyPhen-2, Align-GVGD) all suggest that this variant is likely to be tolerated. In summary, the available evidence is currently insufficient to determine the role of this variant in disease. Therefore, it has been classified as a Variant of Uncertain Significance.

NM_020708.5(SLC12A5):c.1904G>A (p.Arg635His)

Gene: SLC12A5 (solute carrier family 12 member 5; plus strand). Cytogenetic location: 20q13.12.
Variant type: single nucleotide variant.
Coding change: c.1904G>A on transcript NM_020708.5 (MANE Select); coding-DNA position 1904, G replaced by A.
Protein change: p.Arg635His; replaces arginine 635 with histidine.
Molecular consequence: missense variant.
Genome position (GRCh38, 1-based): chr20:46,047,570, G>A. VCF-style: chr20-46047570-G-A. GRCh37 (hg19) VCF-style: chr20-44676209-G-A.
Other names: c.1973G>A, p.Arg658His (NM_001134771.2); short protein forms R658H, R635H.
Identifiers: ClinVar variation 1045464 (VCV001045464.4), dbSNP rs746932137, ClinGen allele CA9887461.